The following is an entry in ClinVar:

NM_000059.4(BRCA2):c.9748dup (p.Ser3250fs)

Gene: BRCA2 (BRCA2 DNA repair associated; plus strand). Cytogenetic location: 13q13.1.
Variant type: Duplication.
Coding change: c.9748dup on transcript NM_000059.4 (MANE Select); coding-DNA position 9748, one base duplicated (T; older notation c.9748dupT).
Protein change: p.Ser3250fs; shifts the reading frame from serine 3250.
Molecular consequence: frameshift variant.
Genome position (GRCh38, 1-based): chr13:32,398,261, T duplicated; the last of 2 consecutive T bases (chr13:32,398,260-32,398,261); duplicating either gives the same sequence. VCF-style (leftmost placement, unchanged base first): chr13-32398259-C-CT. GRCh37 (hg19) VCF-style: chr13-32972396-C-CT.
Other names: 9976insT; c.9748dupT (NM_000059.3); short protein forms S3250fs.
Identifiers: ClinVar variation 267171 (VCV000267171.20), dbSNP rs886040850, ClinGen allele CA10589573.

ClinVar aggregate classification (germline): Pathogenic. Review status: reviewed by expert panel (3 of 4 stars). 6 submissions from 6 submitters: Pathogenic (1). 5 of the submissions do not count toward it. Last evaluated 2016-10-18.

Conditions:
Breast-ovarian cancer, familial, susceptibility to, 2 (BROVCA2). Also called: BRCA2 Hereditary Breast and Ovarian Cancer. Identifiers: Orphanet 145, MedGen C2675520, MONDO:0012933, OMIM 612555. Disease mechanism: loss of function.
Familial cancer of breast. Also called: hereditary breast carcinoma; BREAST CANCER, FAMILIAL; Hereditary breast cancer. Identifiers: Orphanet 227535, MedGen C0346153, MONDO:0016419, OMIM 114480. Disease mechanism: loss of function.
Hereditary cancer-predisposing syndrome. Also called: Hereditary neoplastic syndrome; Neoplastic Syndromes, Hereditary; Tumor predisposition; Hereditary Cancer Syndrome. Identifiers: Orphanet 140162, MedGen C0027672, MeSH D009386, MONDO:0015356.
Hereditary breast ovarian cancer syndrome. Also called: BRCA1- and BRCA2-Associated Hereditary Breast and Ovarian Cancer; Hereditary breast and ovarian cancer; Breast and ovarian cancer; Hereditary breast and/or ovarian cancer syndrome; Hereditary breast and ovarian cancer syndrome; Hereditary breast and ovarian cancer syndrome (HBOC). Identifiers: Orphanet 145, MedGen C0677776, MeSH D061325, MONDO:0003582. Disease mechanism: loss of function.

Submissions (6):

Evidence-based Network for the Interpretation of Germline Mutant Alleles (ENIGMA)
Classification: Pathogenic for Breast-ovarian cancer, familial, susceptibility to, 2. Last evaluated: 2016-10-18. Review status: reviewed by expert panel. Criteria: ENIGMA BRCA1/2 Classification Criteria (2015). Collection method: curation. Allele origin: germline.
Comment: Variant allele predicted to encode a truncated non-functional protein.

Ambry Genetics
Classification: Pathogenic for Hereditary cancer-predisposing syndrome. Last evaluated: 2025-04-22. Review status: criteria provided, single submitter. Criteria: Ambry Variant Classification Scheme 2023. Collection method: clinical testing. Allele origin: germline. Not counted in ClinVar's aggregate classification.
Comment: The c.9748dupT pathogenic mutation, located in coding exon 26 of the BRCA2 gene, results from a duplication of T at nucleotide position 9748, causing a translational frameshift with a predicted alternate stop codon (p.S3250Ffs*5). This alteration occurs at the 3' terminus of theBRCA2 gene, is not expected to trigger nonsense-mediated mRNA decay, and only impacts the last 169 amino acids of the protein. However, premature stop codons are typically deleterious in nature, and the impacted region includes the RAD51 binding domain. Of note, this variant is also designated as c.9748_9749insT and 9976insT in published literature. This variant is considered to be rare based on population cohorts in the Genome Aggregation Database (gnomAD). Based on the supporting evidence, this alteration is interpreted as a disease-causing mutation.

Labcorp Genetics (formerly Invitae), Labcorp
Classification: Pathogenic for Hereditary breast ovarian cancer syndrome. Last evaluated: 2024-10-02. Review status: criteria provided, single submitter. Criteria: Invitae Variant Classification Sherloc (09022015). Collection method: clinical testing. Allele origin: germline. Not counted in ClinVar's aggregate classification.
Comment: This sequence change creates a premature translational stop signal (p.Ser3250Phefs*5) in the BRCA2 gene. While this is not anticipated to result in nonsense mediated decay, it is expected to disrupt the last 169 amino acid(s) of the BRCA2 protein. This variant is not present in population databases (gnomAD no frequency). This premature translational stop signal has been observed in individual(s) with breast cancer (PMID: 24010542). This variant is also known as 9976insT. ClinVar contains an entry for this variant (Variation ID: 267171). RNA analysis performed to evaluate the impact of this premature translational stop signal on mRNA splicing indicates it does not significantly alter splicing (internal data). This variant disrupts a region of the BRCA2 protein in which other variant(s) (p.Tyr3308*) have been determined to be pathogenic (PMID: 17026620, 18593900, 18607349, 22711857). This suggests that this is a clinically significant region of the protein, and that variants that disrupt it are likely to be disease-causing. For these reasons, this variant has been classified as Pathogenic.

Baylor Genetics
Classification: Pathogenic for Familial cancer of breast. Last evaluated: 2021-04-03. Review status: criteria provided, single submitter. Criteria: ACMG Guidelines, 2015. Collection method: clinical testing. Allele origin: unknown. Not counted in ClinVar's aggregate classification.

Color Diagnostics, LLC DBA Color Health
Classification: Likely pathogenic for Hereditary cancer-predisposing syndrome. Last evaluated: 2020-01-15. Review status: criteria provided, single submitter. Criteria: ACMG Guidelines, 2015. Collection method: clinical testing. Allele origin: germline. Not counted in ClinVar's aggregate classification.
Comment: This variant inserts 1 nucleotide in exon 27 of the BRCA2 gene, creating a frameshift and premature translation stop signal. This variant is expected to result in an absent or non-functional protein product. This variant has not been identified in the general population by the Genome Aggregation Database (gnomAD). Loss of BRCA2 function is a known mechanism of disease. Based on the available evidence, this variant is classified as Likely Pathogenic.

Consortium of Investigators of Modifiers of BRCA1/2 (CIMBA), c/o University of Cambridge
Classification: Pathogenic for Breast-ovarian cancer, familial, susceptibility to, 2. Last evaluated: 2015-10-02. Review status: criteria provided, single submitter. Criteria: CIMBA Mutation Classification guidelines May 2016. Collection method: clinical testing. Allele origin: germline. Not counted in ClinVar's aggregate classification.

Literature cited by the submitters: PubMed 24010542 (cited by Ambry Genetics and Labcorp Genetics (formerly Invitae), Labcorp); PubMed 27836010 (cited by Ambry Genetics); PubMed 31300551 (cited by Ambry Genetics); PubMed 17026620 (cited by Labcorp Genetics (formerly Invitae), Labcorp); PubMed 18593900 (cited by Labcorp Genetics (formerly Invitae), Labcorp); PubMed 18607349 (cited by Labcorp Genetics (formerly Invitae), Labcorp); PubMed 22711857 (cited by Labcorp Genetics (formerly Invitae), Labcorp).